The following is an entry in ClinVar:

ClinVar aggregate classification (germline): Uncertain significance (1 of 4 stars; one submission).

Conditions:
Early-infantile DEE. Also called: Ohtahara syndrome; Early infantile epileptic encephalopathy with suppression bursts; Early infantile epileptic encephalopathy. Identifiers: Orphanet 1934, MedGen C0393706, MONDO:0800491.

Submission:

Labcorp Genetics (formerly Invitae), Labcorp
Classification: Uncertain significance for Early-infantile DEE. Last evaluated: 2020-08-15. Review status: criteria provided, single submitter. Criteria: Invitae Variant Classification Sherloc (09022015). Collection method: clinical testing. Allele origin: germline.
Comment: This variant, c.1156_1158dup, results in the insertion of 1 amino acid(s) to the HCN1 protein (p.Tyr386dup), but otherwise preserves the integrity of the reading frame. This variant is not present in population databases (ExAC no frequency). This variant has not been reported in the literature in individuals with HCN1-related conditions. Experimental studies and prediction algorithms are not available or were not evaluated, and the functional significance of this variant is currently unknown. In summary, the available evidence is currently insufficient to determine the role of this variant in disease. Therefore, it has been classified as a Variant of Uncertain Significance.

NM_021072.4(HCN1):c.1156_1158dup (p.Tyr386dup)

Gene: HCN1 (hyperpolarization activated cyclic nucleotide gated potassium channel 1; minus strand). Cytogenetic location: 5p12.
Variant type: Duplication.
Coding change: c.1156_1158dup on transcript NM_021072.4 (MANE Select); coding-DNA positions 1156 to 1158, 3 bases duplicated (TAT; older notation c.1156_1158dupTAT).
Protein change: p.Tyr386dup; duplicates tyrosine 386.
Molecular consequence: inframe insertion.
Genome position (GRCh38, 1-based): chr5:45,396,564-45,396,566, ATA duplicated on the plus strand (TAT on the coding strand, the reverse complement: HCN1 is on the minus strand). VCF-style (leftmost placement, unchanged base first): chr5-45396563-C-CATA. GRCh37 (hg19) VCF-style: chr5-45396665-C-CATA.
Identifiers: ClinVar variation 1057554 (VCV001057554.10), dbSNP rs2112040700, ClinGen allele CA2499217869.